The following is an entry in ClinVar:

NM_020778.5(ALPK3):c.1201A>G (p.Lys401Glu)

Gene: ALPK3 (alpha kinase 3; plus strand). Cytogenetic location: 15q25.3.
Variant type: single nucleotide variant.
Coding change: c.1201A>G on transcript NM_020778.5 (MANE Select); coding-DNA position 1201, A replaced by G.
Protein change: p.Lys401Glu; replaces lysine 401 with glutamic acid.
Molecular consequence: missense variant.
Genome position (GRCh38, 1-based): chr15:84,840,480, A>G. VCF-style: chr15-84840480-A-G. GRCh37 (hg19) VCF-style: chr15-85383711-A-G.
Other names: short protein forms K401E.
Identifiers: ClinVar variation 3291759 (VCV003291759.1).
Genomic context (GRCh38, chr15:84,840,480, plus strand): 5'-TCTGGCACAGATAGTACCAGGAAGCCAGCCTCTGCTGTGGGCACTCCAGACAAGGCCCAG[A>G]AGGCCCCTGGCCCAGGCCCAGGCCAGGAAGTGTATTTCTCCTTGAAGGACATGTACCTGG-3'
Protein context (NP_065829.4, residues 391-411): SAVGTPDKAQ[Lys401Glu]APGPGPGQEV

ClinVar aggregate classification (germline): Uncertain significance (1 of 4 stars; one submission).

Conditions:
Cardiovascular phenotype. Identifiers: MedGen CN230736.

Submission:

Ambry Genetics
Classification: Uncertain significance for Cardiovascular phenotype. Last evaluated: 2024-06-07. Review status: criteria provided, single submitter. Criteria: Ambry Variant Classification Scheme 2023. Collection method: clinical testing. Allele origin: germline.
Comment: The p.K603E variant (also known as c.1807A>G), located in coding exon 5 of the ALPK3 gene, results from an A to G substitution at nucleotide position 1807. The lysine at codon 603 is replaced by glutamic acid, an amino acid with similar properties. This amino acid position is conserved. In addition, this alteration is predicted to be tolerated by in silico analysis. Based on the available evidence, the clinical significance of this variant remains unclear.